The following is an entry in ClinVar:

ClinVar aggregate classification (germline): Uncertain significance. Review status: criteria provided, multiple submitters, no conflicts (2 of 4 stars). 3 submissions from 3 submitters: Uncertain significance (3). Last evaluated 2026-07-17.

Conditions:
Hereditary cancer-predisposing syndrome. Also called: Tumor predisposition; Hereditary neoplastic syndrome; Neoplastic Syndromes, Hereditary; Hereditary Cancer Syndrome. Identifiers: Orphanet 140162, MedGen C0027672, MeSH D009386, MONDO:0015356.
Cardiovascular phenotype. Identifiers: MedGen CN230736.
Neurofibromatosis, type 1 (NF1). Also called: VON RECKLINGHAUSEN DISEASE; NEUROFIBROMATOSIS, TYPE I, SOMATIC; Peripheral type neurofibromatosis; Neurofibromatosis, type I. Identifiers: Orphanet 636, MedGen C0027831, MONDO:0018975, OMIM 162200. Disease mechanism: loss of function.

Allele frequency attached by ClinVar (database versions not stated): 1000 Genomes Project 30x 0.00016.

Submissions (3):

Ambry Genetics
Classification: Uncertain significance for Cardiovascular phenotype; Hereditary cancer-predisposing syndrome. Last evaluated: 2026-07-17. Review status: criteria provided, single submitter. Criteria: Ambry Variant Classification Scheme 2023. Collection method: clinical testing. Allele origin: germline.
Comment: The p.M294V variant (also known as c.880A>G), located in coding exon 8 of the NF1 gene, results from an A to G substitution at nucleotide position 880. The methionine at codon 294 is replaced by valine, an amino acid with highly similar properties. This amino acid position is not well conserved in available vertebrate species. In addition, this alteration is predicted to be tolerated by in silico analysis. Since supporting evidence is limited at this time, the clinical significance of this alteration remains unclear.

Genome-Nilou Lab
Classification: Uncertain significance for Neurofibromatosis, type 1. Last evaluated: 2022-03-15. Review status: criteria provided, single submitter. Criteria: ACMG Guidelines, 2015. Collection method: clinical testing. Allele origin: germline. Affected: no.

Labcorp Genetics (formerly Invitae), Labcorp
Classification: Uncertain significance for Neurofibromatosis, type 1. Last evaluated: 2021-02-15. Review status: criteria provided, single submitter. Criteria: Invitae Variant Classification Sherloc (09022015). Collection method: clinical testing. Allele origin: germline.
Comment: This variant has not been reported in the literature in individuals with NF1-related conditions. ClinVar contains an entry for this variant (Variation ID: 822754). This variant is not present in population databases (ExAC no frequency). This sequence change replaces methionine with valine at codon 294 of the NF1 protein (p.Met294Val). The methionine residue is weakly conserved and there is a small physicochemical difference between methionine and valine. Advanced modeling of protein sequence and biophysical properties (such as structural, functional, and spatial information, amino acid conservation, physicochemical variation, residue mobility, and thermodynamic stability) performed at Invitae indicates that this missense variant is not expected to disrupt NF1 protein function. In summary, the available evidence is currently insufficient to determine the role of this variant in disease. Therefore, it has been classified as a Variant of Uncertain Significance.

NM_001042492.3(NF1):c.880A>G (p.Met294Val)

Gene: NF1 (neurofibromin 1; plus strand). Cytogenetic location: 17q11.2.
Variant type: single nucleotide variant.
Coding change: c.880A>G on transcript NM_001042492.3 (MANE Select); coding-DNA position 880, A replaced by G.
Protein change: p.Met294Val; replaces methionine 294 with valine.
Molecular consequence: missense variant.
Genome position (GRCh38, 1-based): chr17:31,182,657, A>G. VCF-style: chr17-31182657-A-G. GRCh37 (hg19) VCF-style: chr17-29509675-A-G.
Other names: c.880A>G, p.Met294Val (NM_000267.4, NM_001128147.3); short protein forms M294V.
Identifiers: ClinVar variation 822754 (VCV000822754.13), dbSNP rs1597660112, ClinGen allele CA398991269.